The following is an entry in ClinVar:

ClinVar aggregate classification (germline): Uncertain significance (1 of 4 stars; one submission).

Conditions:
Intellectual developmental disorder, X-linked 1. Also called: Atkin Flaitz Patil Smith syndrome; MENTAL RETARDATION, X-LINKED 18; MENTAL RETARDATION, X-LINKED 78; Intellectual disability, X-linked 1. Identifiers: Orphanet 777, MedGen C2931498, MONDO:0010656, OMIM 309530.

Submission:

Foundation for Research in Genetics and Endocrinology, FRIGE's Institute of Human Genetics
Classification: Uncertain significance for Intellectual developmental disorder, X-linked 1. Last evaluated: 2026-09-22. Review status: criteria provided, single submitter. Criteria: ACMG Guidelines, 2015. Collection method: clinical testing. Allele origin: germline. Inheritance: X-linked dominant inheritance. Affected: yes. Observed: 1 variant allele, 1 heterozygote.
Comment: A heterozygous 5’ splice site proximal variant in intron 12 of the IQSEC2 gene that affects the position 3 nucleotides downstream of exon 12 (c.3277+3G>T) was detected. This variant has not been reported in the 1000 genomes, gnomAD (v3.1), gnomAD (v2.1) and topmed databases. The reference base is conserved across species. In summary, the variant meets our criteria to be classified as variant of uncertain significance.

NM_001111125.3(IQSEC2):c.3277+3G>T

Gene: IQSEC2 (IQ motif and Sec7 domain ArfGEF 2; minus strand). Cytogenetic location: Xp11.22.
Variant type: single nucleotide variant.
Coding change: c.3277+3G>T on transcript NM_001111125.3 (MANE Select); 3 bases into the intron after coding-DNA position 3277, G replaced by T.
Molecular consequence: intron variant.
Genome position (GRCh38, 1-based): chrX:53,238,142, C>A on the plus strand (G>T on the coding strand, the complement: IQSEC2 is on the minus strand). VCF-style: chrX-53238142-C-A. GRCh37 (hg19) VCF-style: chrX-53267324-C-A.
Other names: c.3277+3G>T (NM_001441092.1, NM_001410736.1); c.2566+3G>T (NM_001441095.1, NM_001441094.1); c.2662+3G>T (NM_015075.2); c.2779+3G>T (NM_001441093.1).
Identifiers: ClinVar variation 5021451 (VCV005021451.1).